The following is an entry in ClinVar:

NM_018489.3(ASH1L):c.3046T>C (p.Ser1016Pro)

Gene: ASH1L (ASH1 like histone lysine methyltransferase; minus strand). Cytogenetic location: 1q22.
Variant type: single nucleotide variant.
Coding change: c.3046T>C on transcript NM_018489.3 (MANE Select); coding-DNA position 3046, T replaced by C.
Protein change: p.Ser1016Pro; replaces serine 1016 with proline.
Molecular consequence: missense variant.
Genome position (GRCh38, 1-based): chr1:155,479,824, A>G on the plus strand (T>C on the coding strand, the complement: ASH1L is on the minus strand). VCF-style: chr1-155479824-A-G. GRCh37 (hg19) VCF-style: chr1-155449615-A-G.
Other names: c.3046T>C, p.Ser1016Pro (NM_001366177.2); short protein forms S1016P.
Identifiers: ClinVar variation 4586082 (VCV004586082.2).

ClinVar aggregate classification (germline): Uncertain significance. Review status: criteria provided, multiple submitters, no conflicts (2 of 4 stars). 2 submissions from 2 submitters: Uncertain significance (2). Last evaluated 2026-02-17.

Conditions:
Inborn genetic diseases. Identifiers: MedGen C0950123, MeSH D030342.

Submissions (2):

GeneDx
Classification: Uncertain significance. Last evaluated: 2026-02-17. Review status: criteria provided, single submitter. Criteria: GeneDx Variant Classification Process June 2021. Collection method: clinical testing. Allele origin: germline.
Comment: Not observed at significant frequency in large population cohorts (gnomAD); In silico analysis suggests that this missense variant does not alter protein structure/function; Has not been previously published as pathogenic or benign to our knowledge

Ambry Genetics
Classification: Uncertain significance for Inborn genetic diseases. Last evaluated: 2025-09-25. Review status: criteria provided, single submitter. Criteria: Ambry Variant Classification Scheme 2023. Collection method: clinical testing. Allele origin: germline.